The following is an entry in ClinVar:

ClinVar aggregate classification (germline): Uncertain significance (1 of 4 stars; one submission).

gnomAD v4.1: 2 of 1,601,076 alleles (0.00012%); highest among the groups gnomAD compares: Non-Finnish European, 0.000085%; no homozygotes.

Submission:

Labcorp Genetics (formerly Invitae), Labcorp
Classification: Uncertain significance. Last evaluated: 2025-04-30. Review status: criteria provided, single submitter. Criteria: Invitae Variant Classification Sherloc (09022015). Collection method: clinical testing. Allele origin: germline.
Comment: This sequence change replaces arginine, which is basic and polar, with serine, which is neutral and polar, at codon 714 of the FUK protein (p.Arg714Ser). This variant is not present in population databases (gnomAD no frequency). This variant has not been reported in the literature in individuals affected with FUK-related conditions. An algorithm developed to predict the effect of missense changes on protein structure and function (PolyPhen-2) suggests that this variant is likely to be disruptive. In summary, the available evidence is currently insufficient to determine the role of this variant in disease. Therefore, it has been classified as a Variant of Uncertain Significance.

NM_145059.3(FCSK):c.2140C>A (p.Arg714Ser)

Gene: FCSK (fucose kinase; plus strand). Cytogenetic location: 16q22.1.
Variant type: single nucleotide variant.
Coding change: c.2140C>A on transcript NM_145059.3 (MANE Select); coding-DNA position 2140, C replaced by A.
Protein change: p.Arg714Ser; replaces arginine 714 with serine.
Molecular consequence: missense variant.
Genome position (GRCh38, 1-based): chr16:70,474,679, C>A. VCF-style: chr16-70474679-C-A. GRCh37 (hg19) VCF-style: chr16-70508582-C-A.
Other names: short protein forms R714S.
Identifiers: ClinVar variation 4718693 (VCV004718693.1).
Genomic context (GRCh38, chr16:70,474,679, plus strand): 5'-TCCACAGAGCAGGTGGAACTGCCGGGACCTGGGCAGTGGGTGGTGGCTGAGTGCCCGGCC[C>A]GTGTGGATTTCTCTGGTGAGCCCCTTGTGGCAGGTGGGGTTGAGGGTAGCTGCCCCAGAG-3'
Protein context (NP_659496.2, residues 704-724): GQWVVAECPA[Arg714Ser]VDFSGGWSDT